The following is an entry in ClinVar:

NM_001099271.2(POC5):c.1524_1525insC (p.Met509fs)

Gene: POC5 (POC5 centriolar protein; minus strand). Cytogenetic location: 5q13.3.
Variant type: Insertion.
Coding change: c.1524_1525insC on transcript NM_001099271.2 (MANE Select); coding-DNA positions 1524 to 1525, C inserted.
Protein change: p.Met509fs; shifts the reading frame from methionine 509.
Molecular consequence: frameshift variant.
Genome position: GRCh38 VCF-style: chr5-75677833-T-TG. GRCh37 (hg19) VCF-style: chr5-74973658-T-TG.
Other names: c.1449_1450insC, p.Met484fs (NM_152408.3); short protein forms M484fs, M509fs.
Identifiers: ClinVar variation 4721614 (VCV004721614.1).

ClinVar aggregate classification (germline): Uncertain significance (1 of 4 stars; one submission).

Submission:

Labcorp Genetics (formerly Invitae), Labcorp
Classification: Uncertain significance. Last evaluated: 2025-06-22. Review status: criteria provided, single submitter. Criteria: Invitae Variant Classification Sherloc (09022015). Collection method: clinical testing. Allele origin: germline.
Comment: This sequence change creates a premature translational stop signal (p.Met509Hisfs*38) in the POC5 gene. While this is not anticipated to result in nonsense mediated decay, it is expected to disrupt the last 67 amino acid(s) of the POC5 protein. This variant is not present in population databases (gnomAD no frequency). This variant has not been reported in the literature in individuals affected with POC5-related conditions. In summary, the available evidence is currently insufficient to determine the role of this variant in disease. Therefore, it has been classified as a Variant of Uncertain Significance.